The following is an entry in ClinVar:

ClinVar aggregate classification (germline): Uncertain significance (1 of 4 stars; one submission).

Conditions:
Neurofibromatosis, type 2 (SWNV). Also called: SCHWANNOMATOSIS, VESTIBULAR; NF2-Related Schwannomatosis; BILATERAL ACOUSTIC NEUROFIBROMATOSIS. Identifiers: Orphanet 637, MedGen C0027832, MONDO:0007039, OMIM 101000. Disease mechanism: loss of function.

Submission:

Labcorp Genetics (formerly Invitae), Labcorp
Classification: Uncertain significance for Neurofibromatosis, type 2. Last evaluated: 2025-01-01. Review status: criteria provided, single submitter. Criteria: Invitae Variant Classification Sherloc (09022015). Collection method: clinical testing. Allele origin: germline.
Comment: This sequence change falls in intron 1 of the NF2 gene. It does not directly change the encoded amino acid sequence of the NF2 protein. It affects a nucleotide within the consensus splice site. This variant is not present in population databases (gnomAD no frequency). This variant has not been reported in the literature in individuals affected with NF2-related conditions. ClinVar contains an entry for this variant (Variation ID: 412208). Variants that disrupt the consensus splice site are a relatively common cause of aberrant splicing (PMID: 17576681, 9536098). Algorithms developed to predict the effect of sequence changes on RNA splicing suggest that this variant is not likely to affect RNA splicing. In summary, the available evidence is currently insufficient to determine the role of this variant in disease. Therefore, it has been classified as a Variant of Uncertain Significance.

Literature cited by the submitters: PubMed 17576681; PubMed 9536098.

NM_000268.4(NF2):c.114+6C>G

Gene: NF2 (NF2, moesin-ezrin-radixin like (MERLIN) tumor suppressor; plus strand). Cytogenetic location: 22q12.2.
Variant type: single nucleotide variant.
Coding change: c.114+6C>G on transcript NM_000268.4 (MANE Select); 6 bases into the intron after coding-DNA position 114, C replaced by G.
Molecular consequence: intron variant.
Genome position (GRCh38, 1-based): chr22:29,604,118, C>G. VCF-style: chr22-29604118-C-G. GRCh37 (hg19) VCF-style: chr22-30000107-C-G.
Other names: c.114+6C>G (NM_016418.5, NM_181832.3, NM_181833.3 and 5 more transcripts).
Identifiers: ClinVar variation 412208 (VCV000412208.8), dbSNP rs1060503671, ClinGen allele CA16616356.